The following is an entry in ClinVar:

NM_000260.4(MYO7A):c.6238-2A>T

Gene: MYO7A (myosin VIIA; plus strand). Cytogenetic location: 11q13.5.
Variant type: single nucleotide variant.
Coding change: c.6238-2A>T on transcript NM_000260.4 (MANE Select); the canonical splice acceptor site of the intron before coding-DNA position 6238, A replaced by T.
Molecular consequence: splice acceptor variant.
Genome position (GRCh38, 1-based): chr11:77,211,819, A>T. VCF-style: chr11-77211819-A-T. GRCh37 (hg19) VCF-style: chr11-76922864-A-T.
Other names: c.6091-2A>T (NM_001369365.1); c.6124-2A>T (NM_001127180.2).
Identifiers: ClinVar variation 1512306 (VCV001512306.8), dbSNP rs1555109612, ClinGen allele CA381936424.

ClinVar aggregate classification (germline): Likely pathogenic (1 of 4 stars; one submission).

Submission:

Labcorp Genetics (formerly Invitae), Labcorp
Classification: Likely pathogenic. Last evaluated: 2021-02-05. Review status: criteria provided, single submitter. Criteria: Invitae Variant Classification Sherloc (09022015). Collection method: clinical testing. Allele origin: germline.
Comment: Algorithms developed to predict the effect of sequence changes on RNA splicing suggest that this variant may disrupt the consensus splice site, but this prediction has not been confirmed by published transcriptional studies. In summary, the currently available evidence indicates that the variant is pathogenic, but additional data are needed to prove that conclusively. Therefore, this variant has been classified as Likely Pathogenic. This variant has not been reported in the literature in individuals with MYO7A-related conditions. This variant is not present in population databases (ExAC no frequency). This sequence change affects an acceptor splice site in intron 45 of the MYO7A gene. It is expected to disrupt RNA splicing. Variants that disrupt the donor or acceptor splice site typically lead to a loss of protein function (PMID: 16199547), and loss-of-function variants in MYO7A are known to be pathogenic (PMID: 8900236, 25404053).

Literature cited by the submitters: PubMed 16199547; PubMed 8900236; PubMed 25404053.